The following is an entry in ClinVar:

ClinVar aggregate classification (germline): Likely benign (1 of 4 stars; one submission).

Conditions:
Chondrodysplasia with joint dislocations, gPAPP type. Also called: GPAPP DEFICIENCY. Identifiers: Orphanet 280586, MedGen C3279757, MONDO:0013561, OMIM 614078.

Allele frequency attached by ClinVar (database versions not stated): gnomAD 0.00004 and 0.00029; TOPMed 0.00004; 1000 Genomes Project 0.00180; 1000 Genomes Project 30x 0.00187.

Submission:

Illumina Laboratory Services, Illumina
Classification: Likely benign for Chondrodysplasia with joint dislocations, gPAPP type. Last evaluated: 2018-01-12. Review status: criteria provided, single submitter. Criteria: ICSL Variant Classification Criteria 13 December 2019. Collection method: clinical testing. Allele origin: germline.
Comment: This variant was observed in the ICSL laboratory as part of a predisposition screen in an ostensibly healthy population. It had not been previously curated by ICSL or reported in the Human Gene Mutation Database (HGMD: prior to June 1st, 2018), and was therefore a candidate for classification through an automated scoring system. Utilizing variant allele frequency, disease prevalence and penetrance estimates, and inheritance mode, an automated score was calculated to assess if this variant is too frequent to cause the disease. Based on the score and internal cut-off values, a variant classified as likely benign is not then subjected to further curation. The score for this variant resulted in a classification of likely benign for this disease.

NM_017813.5(BPNT2):c.*4315C>T

Gene: BPNT2 (3'(2'), 5'-bisphosphate nucleotidase 2; minus strand). Cytogenetic location: 8q12.1.
Variant type: single nucleotide variant.
Coding change: c.*4315C>T on transcript NM_017813.5 (MANE Select); 4315 bases downstream of the stop codon, C replaced by T.
Molecular consequence: 3 prime UTR variant.
Genome position (GRCh38, 1-based): chr8:56,959,478, G>A on the plus strand (C>T on the coding strand, the complement: BPNT2 is on the minus strand). VCF-style: chr8-56959478-G-A. GRCh37 (hg19) VCF-style: chr8-57872037-G-A.
Identifiers: ClinVar variation 909219 (VCV000909219.4), dbSNP rs543846823, ClinGen allele CA177764419.